The following is an entry in ClinVar:

ClinVar aggregate classification (germline): Uncertain significance (1 of 4 stars; one submission).

Conditions:
3-hydroxy-3-methylglutaryl-CoA synthase deficiency (HMGCS2D). Also called: MITOCHONDRIAL HMG-CoA SYNTHASE DEFICIENCY; HMG-CoA synthase-2 deficiency; HMGCS2 DEFICIENCY. Identifiers: Orphanet 35701, MedGen C2751532, MONDO:0011614, OMIM 605911.

Submission:

Labcorp Genetics (formerly Invitae), Labcorp
Classification: Uncertain significance for 3-hydroxy-3-methylglutaryl-CoA synthase deficiency. Last evaluated: 2022-06-29. Review status: criteria provided, single submitter. Criteria: Invitae Variant Classification Sherloc (09022015). Collection method: clinical testing. Allele origin: germline.
Comment: This sequence change replaces proline, which is neutral and non-polar, with serine, which is neutral and polar, at codon 25 of the HMGCS2 protein (p.Pro25Ser). This variant is not present in population databases (gnomAD no frequency). This variant has not been reported in the literature in individuals affected with HMGCS2-related conditions. Algorithms developed to predict the effect of missense changes on protein structure and function (SIFT, PolyPhen-2, Align-GVGD) all suggest that this variant is likely to be tolerated. In summary, the available evidence is currently insufficient to determine the role of this variant in disease. Therefore, it has been classified as a Variant of Uncertain Significance.

NM_005518.4(HMGCS2):c.73C>T (p.Pro25Ser)

Genes: HMGCS2 (3-hydroxy-3-methylglutaryl-CoA synthase 2; minus strand), LOC122094910 (Sharpr-MPRA regulatory region 1341; plus strand). Cytogenetic location: 1p12.
Variant type: single nucleotide variant.
Coding change: c.73C>T on transcript NM_005518.4 (MANE Select); coding-DNA position 73, C replaced by T.
Protein change: p.Pro25Ser; replaces proline 25 with serine.
Molecular consequence: missense variant.
Genome position (GRCh38, 1-based): chr1:119,768,772, G>A on the plus strand (C>T on the coding strand, the complement: HMGCS2 is on the minus strand). VCF-style: chr1-119768772-G-A. GRCh37 (hg19) VCF-style: chr1-120311395-G-A.
Other names: c.73C>T, p.Pro25Ser (NM_001166107.1); short protein forms P25S.
Identifiers: ClinVar variation 1495075 (VCV001495075.6), dbSNP rs144744634, ClinGen allele CA341869470.